The following is an entry in ClinVar:

NM_016203.4(PRKAG2):c.1535A>G (p.Asn512Ser)

Gene: PRKAG2 (protein kinase AMP-activated non-catalytic subunit gamma 2; minus strand). Cytogenetic location: 7q36.1.
Variant type: single nucleotide variant.
Coding change: c.1535A>G on transcript NM_016203.4 (MANE Select); coding-DNA position 1535, A replaced by G.
Protein change: p.Asn512Ser; replaces asparagine 512 with serine.
Molecular consequence: missense variant.
Genome position (GRCh38, 1-based): chr7:151,564,127, T>C on the plus strand (A>G on the coding strand, the complement: PRKAG2 is on the minus strand). VCF-style: chr7-151564127-T-C. GRCh37 (hg19) VCF-style: chr7-151261213-T-C.
Other names: c.1535A>G (NM_016203.3); c.1403A>G, p.Asn468Ser (NM_001040633.2); c.1160A>G, p.Asn387Ser (NM_001304527.2); c.812A>G, p.Asn271Ser (NM_001304531.2, NM_024429.2); c.1163A>G, p.Asn388Ser (NM_001363698.2); short protein forms N388S, N512S, N387S, N271S, N468S.
Identifiers: ClinVar variation 1042396 (VCV001042396.12), dbSNP rs766113743, ClinGen allele CA055321.

ClinVar aggregate classification (germline): Conflicting classifications of pathogenicity. Review status: criteria provided, conflicting classifications (1 of 4 stars). 3 submissions from 3 submitters: Uncertain significance (1); Likely benign (2). Last evaluated 2025-06-09.

Conditions:
Cardiomyopathy (CMYO). Also called: Cardiomyopathies. Identifiers: Orphanet 167848, MedGen C0878544, MONDO:0004994, HP:0001638. Inheritance: Various modes of inheritance.
Lethal congenital glycogen storage disease of heart. Also called: PHOSPHORYLASE KINASE DEFICIENCY OF HEART; GLYCOGEN STORAGE DISEASE OF HEART. Identifiers: Orphanet 439854, MedGen C1849813, MONDO:0009867, OMIM 261740.
Cardiovascular phenotype. Identifiers: MedGen CN230736.

gnomAD v4.1: 7 of 1,614,172 alleles (0.00043%); highest among the groups gnomAD compares: South Asian, 0.0055%; no homozygotes.

Submissions (3):

Labcorp Genetics (formerly Invitae), Labcorp
Classification: Likely benign for Lethal congenital glycogen storage disease of heart. Last evaluated: 2025-06-09. Review status: criteria provided, single submitter. Criteria: Invitae Variant Classification Sherloc (09022015). Collection method: clinical testing. Allele origin: germline.

Ambry Genetics
Classification: Likely benign for Cardiovascular phenotype. Last evaluated: 2025-01-19. Review status: criteria provided, single submitter. Criteria: Ambry Variant Classification Scheme 2023. Collection method: clinical testing. Allele origin: germline.

Color Diagnostics, LLC DBA Color Health
Classification: Uncertain significance for Cardiomyopathy. Last evaluated: 2024-09-06. Review status: criteria provided, single submitter. Criteria: ACMG Guidelines, 2015. Collection method: clinical testing. Allele origin: germline.
Comment: This missense variant replaces asparagine with serine at codon 512 of the PRKAG2 protein. Computational prediction tools indicate that this variant has a neutral impact on protein structure and function. To our knowledge, functional studies have not been reported for this variant. This variant has not been reported in individuals affected with PRKAG2-related disorders in the literature. This variant has been identified in 3/251492 chromosomes in the general population by the Genome Aggregation Database (gnomAD). The available evidence is insufficient to determine the role of this variant in disease conclusively. Therefore, this variant is classified as a Variant of Uncertain Significance.